The following is an entry in ClinVar:

NM_006949.4(STXBP2):c.1065G>A (p.Lys355=)

Gene: STXBP2 (syntaxin binding protein 2; plus strand). Cytogenetic location: 19p13.2.
Variant type: single nucleotide variant.
Coding change: c.1065G>A on transcript NM_006949.4 (MANE Select); coding-DNA position 1065, G replaced by A.
Protein change: p.Lys355=; no amino-acid change (lysine 355 retained).
Molecular consequence: synonymous variant.
Genome position (GRCh38, 1-based): chr19:7,643,203, G>A. VCF-style: chr19-7643203-G-A. GRCh37 (hg19) VCF-style: chr19-7708089-G-A.
Other names: c.1056G>A, p.Lys352= (NM_001127396.3); c.1098G>A, p.Lys366= (NM_001272034.2); c.1065G>A (NM_006949.3).
Identifiers: ClinVar variation 1094695 (VCV001094695.10), dbSNP rs756291718, ClinGen allele CA9143956.

ClinVar aggregate classification (germline): Likely benign. Review status: criteria provided, single submitter (1 of 4 stars). 2 submissions from 2 submitters: Likely benign (1). 1 of the submissions does not count toward it. Last evaluated 2026-01-19.

Conditions:
STXBP2-related disorder. Also called: STXBP2-related condition.
Familial hemophagocytic lymphohistiocytosis 5. Also called: STXBP2-Related Familial Hemophagocytic Lymphohistiocytosis (STXBP2-fHLH). Identifiers: Orphanet 540, MedGen C2751293, MONDO:0013135, OMIM 613101.

Allele frequency attached by ClinVar (database versions not stated): gnomAD exomes 0.00003 and 0.00006; gnomAD 0.00004 and 0.00005; TOPMed 0.00005; ExAC 0.00006.
gnomAD v4.1: 56 of 1,614,074 alleles (0.0035%); highest among the groups gnomAD compares: East Asian, 0.0045%; no homozygotes.

Submissions (2):

Labcorp Genetics (formerly Invitae), Labcorp
Classification: Likely benign for Familial hemophagocytic lymphohistiocytosis 5. Last evaluated: 2026-01-19. Review status: criteria provided, single submitter. Criteria: Invitae Variant Classification Sherloc (09022015). Collection method: clinical testing. Allele origin: germline.

PreventionGenetics, part of Exact Sciences
Classification: Likely benign for STXBP2-related condition. Last evaluated: 2024-08-13. Review status: no assertion criteria provided. Collection method: clinical testing. Allele origin: germline. Not counted in ClinVar's aggregate classification.
Comment: This variant is classified as likely benign based on ACMG/AMP sequence variant interpretation guidelines (Richards et al. 2015 PMID: 25741868, with internal and published modifications).